The following is an entry in ClinVar:

ClinVar aggregate classification (germline): Pathogenic (1 of 4 stars; one submission).

Conditions:
Primary ciliary dyskinesia 3. Identifiers: Orphanet 244, MedGen C1837618, MONDO:0012085, OMIM 608644.

Submission:

Myriad Genetics, Inc.
Classification: Pathogenic for Primary ciliary dyskinesia 3. Last evaluated: 2024-05-14. Review status: criteria provided, single submitter. Criteria: Myriad Autosomal Dominant, Autosomal Recessive and X-Linked Classification Criteria (2023). Collection method: clinical testing. Allele origin: unknown.
Comment: NM_001369.2(DNAH5):c.11076del1ins18(Y3693Sfs*21) is expected to be pathogenic in the context of primary ciliary dyskinesia, DNAH5-related. This variant is predicted to lead to an abnormal or absent protein product due to the creation of a premature termination codon in DNAH5, a gene where loss-of-function variants are known to be pathogenic. Please note: this variant was assessed in the context of healthy population screening.

NM_001369.3(DNAH5):c.11076delinsGTCTCTTATACACATCTG (p.Tyr3693fs)

Gene: DNAH5 (dynein axonemal heavy chain 5; minus strand). Cytogenetic location: 5p15.2.
Variant type: Indel.
Coding change: c.11076delinsGTCTCTTATACACATCTG on transcript NM_001369.3 (MANE Select); coding-DNA position 11076, C replaced by GTCTCTTATACACATCTG.
Protein change: p.Tyr3693fs; shifts the reading frame from tyrosine 3693.
Molecular consequence: frameshift variant.
Genome position (GRCh38, 1-based): chr5:13,751,213, G replaced by CAGATGTGTATAAGAGAC on the plus strand (C replaced by GTCTCTTATACACATCTG on the coding strand, the reverse complement: DNAH5 is on the minus strand). VCF-style: chr5-13751213-G-CAGATGTGTATAAGAGAC. GRCh37 (hg19) VCF-style: chr5-13751322-G-CAGATGTGTATAAGAGAC.
Other names: short protein forms Y3693fs.
Identifiers: ClinVar variation 5011128 (VCV005011128.1).